The following is an entry in ClinVar:

ClinVar aggregate classification (germline): Pathogenic (1 of 4 stars; one submission).

Submission:

Labcorp Genetics (formerly Invitae), Labcorp
Classification: Pathogenic. Last evaluated: 2023-05-08. Review status: criteria provided, single submitter. Criteria: Invitae Variant Classification Sherloc (09022015). Collection method: clinical testing. Allele origin: germline.
Comment: This variant disrupts a region of the TYRP1 protein in which other variant(s) (p.Ala409Val) have been determined to be pathogenic (PMID: 29345414). This suggests that this is a clinically significant region of the protein, and that variants that disrupt it are likely to be disease-causing. For these reasons, this variant has been classified as Pathogenic. This variant has not been reported in the literature in individuals affected with TYRP1-related conditions. This variant is not present in population databases (gnomAD no frequency). This sequence change creates a premature translational stop signal (p.His404Ilefs*58) in the TYRP1 gene. While this is not anticipated to result in nonsense mediated decay, it is expected to disrupt the last 134 amino acid(s) of the TYRP1 protein.

Literature cited by the submitters: PubMed 29345414.

NM_000550.3(TYRP1):c.1210_1261del (p.His404fs)

Genes: LURAP1L-AS1 (LURAP1L antisense RNA 1; minus strand), TYRP1 (tyrosinase related protein 1; plus strand). Cytogenetic location: 9p23.
Variant type: Deletion.
Coding change: c.1210_1261del on transcript NM_000550.3 (MANE Select); coding-DNA positions 1210 to 1261, 52 bases deleted.
Protein change: p.His404fs; shifts the reading frame from histidine 404.
Molecular consequence: frameshift variant.
Genome position (GRCh38, 1-based): chr9:12,704,654-12,704,705, 52 bases deleted. GRCh37 (hg19): chr9:12,704,654-12,704,705.
Other names: short protein forms H404fs.
Identifiers: ClinVar variation 2813640 (VCV002813640.3), dbSNP rs2537288712, ClinGen allele CA2739269168.